The following is an entry in ClinVar:

NM_006005.3(WFS1):c.1309G>T (p.Gly437Cys)

Gene: WFS1 (wolframin ER transmembrane glycoprotein; plus strand). Cytogenetic location: 4p16.1.
Variant type: single nucleotide variant.
Coding change: c.1309G>T on transcript NM_006005.3 (MANE Select); coding-DNA position 1309, G replaced by T.
Protein change: p.Gly437Cys; replaces glycine 437 with cysteine.
Molecular consequence: missense variant.
Genome position (GRCh38, 1-based): chr4:6,301,104, G>T. VCF-style: chr4-6301104-G-T. GRCh37 (hg19) VCF-style: chr4-6302831-G-T.
Other names: c.1309G>T, p.Gly437Cys (NM_001145853.1); short protein forms G437C.
Identifiers: ClinVar variation 1473078 (VCV001473078.9), dbSNP rs147974629, ClinGen allele CA2839305.

ClinVar aggregate classification (germline): Uncertain significance. Review status: criteria provided, multiple submitters, no conflicts (2 of 4 stars). 2 submissions from 2 submitters: Uncertain significance (2). Last evaluated 2021-12-07.

Conditions:
Autosomal dominant nonsyndromic hearing loss 6 (LFSNHL). Also called: DEAFNESS, AUTOSOMAL DOMINANT 14; DEAFNESS, AUTOSOMAL DOMINANT 38; DEAFNESS, AUTOSOMAL DOMINANT 6; Autosomal dominant nonsyndromic deafness 6. Identifiers: Orphanet 90635, MedGen C1833021, MONDO:0010963, OMIM 600965.
Type 2 diabetes mellitus. Also called: Type II diabetes mellitus. Identifiers: MedGen C0011860, MeSH D003924, MONDO:0005148, OMIM 125853, HP:0005978.
Cataract 41 (CTRCT41). Also called: CATARACT 41, CONGENITAL NUCLEAR TYPE. Identifiers: Orphanet 91492, Orphanet 98991, Orphanet 98992, Orphanet 98995, MedGen C3805412, MONDO:0007287, OMIM 116400.
Wolfram syndrome 1 (WFS1). Identifiers: Orphanet 3463, MedGen C4551693, MONDO:0009101, OMIM 222300.
Wolfram-like syndrome. Also called: HEARING LOSS, PROGRESSIVE, WITH OPTIC ATROPHY AND/OR IMPAIRED GLUCOSE REGULATION. Identifiers: Orphanet 411590, MedGen C3280358, MONDO:0013673, OMIM 614296.

Allele frequency attached by ClinVar (database versions not stated): ESP Exome Variant Server 0.00008.
gnomAD v4.1: 1 of 1,613,738 alleles (0.000062%); highest among the groups gnomAD compares: Admixed American, 0.0017%; no homozygotes.

Submissions (2):

Fulgent Genetics
Classification: Uncertain significance for Cataract 41; Type 2 diabetes mellitus; Wolfram syndrome 1; Autosomal dominant nonsyndromic hearing loss 6; Wolfram-like syndrome. Last evaluated: 2021-12-07. Review status: criteria provided, single submitter. Criteria: ACMG Guidelines, 2015. Collection method: clinical testing. Allele origin: unknown.

Labcorp Genetics (formerly Invitae), Labcorp
Classification: Uncertain significance. Last evaluated: 2021-03-18. Review status: criteria provided, single submitter. Criteria: Invitae Variant Classification Sherloc (09022015). Collection method: clinical testing. Allele origin: germline.
Comment: In summary, the available evidence is currently insufficient to determine the role of this variant in disease. Therefore, it has been classified as a Variant of Uncertain Significance. Advanced modeling of protein sequence and biophysical properties (such as structural, functional, and spatial information, amino acid conservation, physicochemical variation, residue mobility, and thermodynamic stability) performed at Invitae indicates that this missense variant is not expected to disrupt WFS1 protein function. This variant has not been reported in the literature in individuals with WFS1-related conditions. This variant is present in population databases (rs147974629, ExAC 0.01%). This sequence change replaces glycine with cysteine at codon 437 of the WFS1 protein (p.Gly437Cys). The glycine residue is weakly conserved and there is a large physicochemical difference between glycine and cysteine.